The following is an entry in ClinVar:

ClinVar aggregate classification (germline): Conflicting classifications of pathogenicity. Review status: criteria provided, conflicting classifications (1 of 4 stars). 2 submissions from 2 submitters: Uncertain significance (1); Likely benign (1). Last evaluated 2025-05-24.

Conditions:
Cardiovascular phenotype. Identifiers: MedGen CN230736.
Dilated cardiomyopathy 1DD (CMD1DD). Identifiers: Orphanet 154, MedGen C2750995, MONDO:0013168, OMIM 613172.

Allele frequency attached by ClinVar (database versions not stated): TOPMed below 0.00001.
gnomAD v4.1: 4 of 1,551,834 alleles (0.00026%); highest among the groups gnomAD compares: East Asian, 0.0073%; no homozygotes.

Submissions (2):

Ambry Genetics
Classification: Uncertain significance for Cardiovascular phenotype. Last evaluated: 2025-05-24. Review status: criteria provided, single submitter. Criteria: Ambry Variant Classification Scheme 2023. Collection method: clinical testing. Allele origin: germline.
Comment: The p.A170G variant (also known as c.509C>G), located in coding exon 2 of the RBM20 gene, results from a C to G substitution at nucleotide position 509. The alanine at codon 170 is replaced by glycine, an amino acid with similar properties. This amino acid position is conserved. In addition, this alteration is predicted to be tolerated by in silico analysis. Based on the available evidence, the clinical significance of this variant remains unclear.

Labcorp Genetics (formerly Invitae), Labcorp
Classification: Likely benign for Dilated cardiomyopathy 1DD. Last evaluated: 2024-12-16. Review status: criteria provided, single submitter. Criteria: Invitae Variant Classification Sherloc (09022015). Collection method: clinical testing. Allele origin: germline.

NM_001134363.3(RBM20):c.509C>G (p.Ala170Gly)

Gene: RBM20 (RNA binding motif protein 20; plus strand). Cytogenetic location: 10q25.2.
Variant type: single nucleotide variant.
Coding change: c.509C>G on transcript NM_001134363.3 (MANE Select); coding-DNA position 509, C replaced by G.
Protein change: p.Ala170Gly; replaces alanine 170 with glycine.
Molecular consequence: missense variant.
Genome position (GRCh38, 1-based): chr10:110,781,118, C>G. VCF-style: chr10-110781118-C-G. GRCh37 (hg19) VCF-style: chr10-112540876-C-G.
Other names: short protein forms A170G.
Identifiers: ClinVar variation 2155502 (VCV002155502.5), dbSNP rs1430386333, ClinGen allele CA378380865.